The following is an entry in ClinVar:

NM_000435.3(NOTCH3):c.2175T>C (p.Ser725=)

Gene: NOTCH3 (notch receptor 3; minus strand). Cytogenetic location: 19p13.12.
Variant type: single nucleotide variant.
Coding change: c.2175T>C on transcript NM_000435.3 (MANE Select); coding-DNA position 2175, T replaced by C.
Protein change: p.Ser725=; no amino-acid change (serine 725 retained).
Molecular consequence: synonymous variant.
Genome position (GRCh38, 1-based): chr19:15,185,378, A>G on the plus strand (T>C on the coding strand, the complement: NOTCH3 is on the minus strand). VCF-style: chr19-15185378-A-G. GRCh37 (hg19) VCF-style: chr19-15296189-A-G.
Other names: p.Ser725=.
Identifiers: ClinVar variation 447807 (VCV000447807.29), dbSNP rs141993521, ClinGen allele CA9263421.

ClinVar aggregate classification (germline): Benign/Likely benign. Review status: criteria provided, multiple submitters, no conflicts (2 of 4 stars). 8 submissions from 8 submitters: Benign (3); Likely benign (4). 1 of the submissions does not count toward it. Last evaluated 2026-05-01.

Conditions:
NOTCH3-related disorder. Also called: NOTCH3-related disorders; NOTCH3-related condition.

Allele frequency attached by ClinVar (database versions not stated): gnomAD exomes 0.00019 and 0.00057; ExAC 0.00073; 1000 Genomes Project 0.00080; gnomAD 0.00193 and 0.00214; TOPMed 0.00244; ESP Exome Variant Server 0.00257; 1000 Genomes Project 30x 0.00062.
gnomAD v4.1: 581 of 1,612,098 alleles (0.036%); highest among the groups gnomAD compares: African/African-American, 0.72%; no homozygotes.

Submissions (8):

CeGaT Center for Human Genetics Tuebingen
Classification: Likely benign. Last evaluated: 2026-05-01. Review status: criteria provided, single submitter. Criteria: CeGaT Center For Human Genetics Tuebingen Variant Classification Criteria Version 2. Collection method: clinical testing. Allele origin: germline. Affected: yes. Observed: 1 variant allele.
Comment: NOTCH3: BP4, BP7

Labcorp Genetics (formerly Invitae), Labcorp
Classification: Benign. Last evaluated: 2026-01-05. Review status: criteria provided, single submitter. Criteria: Invitae Variant Classification Sherloc (09022015). Collection method: clinical testing. Allele origin: germline.

Athena Diagnostics
Classification: Benign. Last evaluated: 2025-08-21. Review status: criteria provided, single submitter. Criteria: Athena Diagnostics Criteria. Collection method: clinical testing. Allele origin: unknown.
Comment: The frequency of this variant in the general population is higher than would generally be expected for pathogenic variants in this gene. Computational tools yielded predictions that this variant is unlikely to have an effect on normal RNA splicing. This nucleotide position exhibits low evolutionary conservation.

Mayo Clinic Laboratories, Mayo Clinic
Classification: Likely benign. Last evaluated: 2025-03-05. Review status: criteria provided, single submitter. Criteria: ACMG Guidelines, 2015. Collection method: clinical testing. Allele origin: germline. Observed: 8 variant alleles.
Comment: BS1, BP4, BP7

ARUP Laboratories, Molecular Genetics and Genomics, ARUP Laboratories
Classification: Benign. Last evaluated: 2025-02-03. Review status: criteria provided, single submitter. Criteria: ARUP Molecular Germline Variant Investigation Process 2024. Collection method: clinical testing. Allele origin: germline.

Blueprint Genetics
Classification: Likely benign. Last evaluated: 2024-11-26. Review status: criteria provided, single submitter. Criteria: ACMG Guidelines, 2015. Collection method: clinical testing. Allele origin: germline.

Breakthrough Genomics
Classification: Likely benign. Review status: criteria provided, single submitter. Criteria: ACMG Guidelines, 2015. Collection method: not provided. Allele origin: germline. Inheritance: Autosomal dominant inheritance. Affected: yes.

PreventionGenetics, part of Exact Sciences
Classification: Benign for NOTCH3-related condition. Last evaluated: 2021-04-01. Review status: no assertion criteria provided. Collection method: clinical testing. Allele origin: germline. Not counted in ClinVar's aggregate classification.
Comment: This variant is classified as benign based on ACMG/AMP sequence variant interpretation guidelines (Richards et al. 2015 PMID: 25741868, with internal and published modifications).